The following is an entry in ClinVar:

NM_006876.3(B4GAT1):c.775G>A (p.Ala259Thr)

Gene: B4GAT1 (beta-1,4-glucuronyltransferase 1; minus strand). Cytogenetic location: 11q13.2.
Variant type: single nucleotide variant.
Coding change: c.775G>A on transcript NM_006876.3 (MANE Select); coding-DNA position 775, G replaced by A.
Protein change: p.Ala259Thr; replaces alanine 259 with threonine.
Molecular consequence: missense variant.
Genome position (GRCh38, 1-based): chr11:66,346,771, C>T on the plus strand (G>A on the coding strand, the complement: B4GAT1 is on the minus strand). VCF-style: chr11-66346771-C-T. GRCh37 (hg19) VCF-style: chr11-66114242-C-T.
Other names: short protein forms A259T.
Identifiers: ClinVar variation 1489878 (VCV001489878.8), dbSNP rs766537591, ClinGen allele CA6120507.

ClinVar aggregate classification (germline): Uncertain significance (1 of 4 stars; one submission).

Conditions:
Muscular dystrophy-dystroglycanopathy (congenital with brain and eye anomalies), type A13. Also called: WALKER-WARBURG SYNDROME OR MUSCLE-EYE-BRAIN DISEASE, B3GNT1-RELATED; Muscular dystrophy-dystroglycanopathy (congenital with brain and eye anomalies), type a, 13. Identifiers: Orphanet 899, MedGen C3809042, MONDO:0014120, OMIM 615287.

Allele frequency attached by ClinVar (database versions not stated): gnomAD exomes below 0.00001; ExAC 0.00001.
gnomAD v4.1: 2 of 1,613,766 alleles (0.00012%); highest among the groups gnomAD compares: South Asian, 0.0011%; no homozygotes.

Submission:

Labcorp Genetics (formerly Invitae), Labcorp
Classification: Uncertain significance for Muscular dystrophy-dystroglycanopathy (congenital with brain and eye anomalies), type A13. Last evaluated: 2021-01-26. Review status: criteria provided, single submitter. Criteria: Invitae Variant Classification Sherloc (09022015). Collection method: clinical testing. Allele origin: germline.
Comment: In summary, the available evidence is currently insufficient to determine the role of this variant in disease. Therefore, it has been classified as a Variant of Uncertain Significance. Algorithms developed to predict the effect of missense changes on protein structure and function are either unavailable or do not agree on the potential impact of this missense change (SIFT: "Tolerated"; PolyPhen-2: "Possibly Damaging"; Align-GVGD: "Class C0"). This variant has not been reported in the literature in individuals with B4GAT1-related conditions. This variant is present in population databases (rs766537591, ExAC 0.006%). This sequence change replaces alanine with threonine at codon 259 of the B4GAT1 protein (p.Ala259Thr). The alanine residue is highly conserved and there is a small physicochemical difference between alanine and threonine.